The following is an entry in ClinVar:

ClinVar aggregate classification (germline): Uncertain significance. Review status: criteria provided, multiple submitters, no conflicts (2 of 4 stars). 3 submissions from 3 submitters: Uncertain significance (3). Last evaluated 2026-01-28.

Conditions:
Hereditary cancer-predisposing syndrome. Also called: Neoplastic Syndromes, Hereditary; Tumor predisposition; Hereditary neoplastic syndrome; Hereditary Cancer Syndrome. Identifiers: Orphanet 140162, MedGen C0027672, MeSH D009386, MONDO:0015356.
Endometrial carcinoma. Also called: Endometrial carcinoma, somatic. Identifiers: MedGen C0476089, MONDO:0002447, OMIM 608089, HP:0012114.

Allele frequency attached by ClinVar (database versions not stated): gnomAD exomes below 0.00001.
gnomAD v4.1: 1 of 1,613,946 alleles (0.000062%); highest among the groups gnomAD compares: Non-Finnish European, 0.000085%; no homozygotes.

Submissions (3):

Labcorp Genetics (formerly Invitae), Labcorp
Classification: Uncertain significance. Last evaluated: 2026-01-28. Review status: criteria provided, single submitter. Criteria: Invitae Variant Classification Sherloc (09022015). Collection method: clinical testing. Allele origin: germline.
Comment: This sequence change replaces serine, which is neutral and polar, with arginine, which is basic and polar, at codon 1035 of the MSH3 protein (p.Ser1035Arg). This variant is not present in population databases (gnomAD no frequency). This variant has not been reported in the literature in individuals affected with MSH3-related conditions. ClinVar contains an entry for this variant (Variation ID: 661124). An algorithm developed to predict the effect of missense changes on protein structure and function (PolyPhen-2) suggests that this variant is likely to be tolerated. In summary, the available evidence is currently insufficient to determine the role of this variant in disease. Therefore, it has been classified as a Variant of Uncertain Significance.

Ambry Genetics
Classification: Uncertain significance for Hereditary cancer-predisposing syndrome. Last evaluated: 2023-12-15. Review status: criteria provided, single submitter. Criteria: Ambry Variant Classification Scheme 2023. Collection method: clinical testing. Allele origin: germline.
Comment: The p.S1035R variant (also known as c.3105T>A), located in coding exon 22 of the MSH3 gene, results from a T to A substitution at nucleotide position 3105. The serine at codon 1035 is replaced by arginine, an amino acid with dissimilar properties. This amino acid position is poorly conserved in available vertebrate species. In addition, this alteration is predicted to be tolerated by in silico analysis. Since supporting evidence is limited at this time, the clinical significance of this alteration remains unclear.

Baylor Genetics
Classification: Uncertain significance for Endometrial carcinoma. Last evaluated: 2023-09-06. Review status: criteria provided, single submitter. Criteria: ACMG Guidelines, 2015. Collection method: clinical testing. Allele origin: unknown.

NM_002439.5(MSH3):c.3105T>A (p.Ser1035Arg)

Gene: MSH3 (mutS homolog 3; plus strand). Cytogenetic location: 5q14.1.
Variant type: single nucleotide variant.
Coding change: c.3105T>A on transcript NM_002439.5 (MANE Select); coding-DNA position 3105, T replaced by A.
Protein change: p.Ser1035Arg; replaces serine 1035 with arginine.
Molecular consequence: missense variant.
Genome position (GRCh38, 1-based): chr5:80,864,917, T>A. VCF-style: chr5-80864917-T-A. GRCh37 (hg19) VCF-style: chr5-80160736-T-A.
Other names: short protein forms S1035R.
Identifiers: ClinVar variation 661124 (VCV000661124.12), dbSNP rs1580098696, ClinGen allele CA360346412.